The following is an entry in ClinVar:

ClinVar aggregate classification (germline): Uncertain significance (1 of 4 stars; one submission).

gnomAD v4.1: 4 of 1,614,130 alleles (0.00025%); highest among the groups gnomAD compares: Middle Eastern, 0.017%; no homozygotes.

Submission:

Labcorp Genetics (formerly Invitae), Labcorp
Classification: Uncertain significance. Last evaluated: 2025-05-14. Review status: criteria provided, single submitter. Criteria: Invitae Variant Classification Sherloc (09022015). Collection method: clinical testing. Allele origin: germline.
Comment: This sequence change replaces proline, which is neutral and non-polar, with threonine, which is neutral and polar, at codon 132 of the SERPINF1 protein (p.Pro132Thr). This variant is not present in population databases (gnomAD no frequency). This variant has not been reported in the literature in individuals affected with SERPINF1-related conditions. Invitae Evidence Modeling of protein sequence and biophysical properties (such as structural, functional, and spatial information, amino acid conservation, physicochemical variation, residue mobility, and thermodynamic stability) indicates that this missense variant is not expected to disrupt SERPINF1 protein function with a negative predictive value of 80%. In summary, the available evidence is currently insufficient to determine the role of this variant in disease. Therefore, it has been classified as a Variant of Uncertain Significance.

NM_002615.7(SERPINF1):c.394C>A (p.Pro132Thr)

Gene: SERPINF1 (serpin family F member 1; plus strand). Cytogenetic location: 17p13.3.
Variant type: single nucleotide variant.
Coding change: c.394C>A on transcript NM_002615.7 (MANE Select); coding-DNA position 394, C replaced by A.
Protein change: p.Pro132Thr; replaces proline 132 with threonine.
Molecular consequence: missense variant. On other transcripts: 5 prime UTR variant (1).
Genome position (GRCh38, 1-based): chr17:1,771,139, C>A. VCF-style: chr17-1771139-C-A. GRCh37 (hg19) VCF-style: chr17-1674433-C-A.
Other names: c.394C>A, p.Pro132Thr (NM_001329903.2); c.-168C>A (NM_001329904.2); short protein forms P132T.
Identifiers: ClinVar variation 4690682 (VCV004690682.1).